The following is an entry in ClinVar:

NM_012330.4(KAT6B):c.3289GAA[4] (p.Glu1101_Glu1104del)

Gene: KAT6B (lysine acetyltransferase 6B; plus strand). Cytogenetic location: 10q22.2.
Variant type: Microsatellite.
Coding change: c.3289GAA[4] on transcript NM_012330.4 (MANE Select); four copies in a row of the 3-base unit GAA starting at c.3289; the reference has eight copies in a row; four copies, 12 bases deleted.
Protein change: p.Glu1101_Glu1104del.
Molecular consequence: inframe deletion.
Genome position (GRCh38, 1-based): chr10:75,022,160-75,022,171, GAAGAAGAAGAA deleted; deleting any 12 consecutive bases within chr10:75,022,148-75,022,171 gives the same sequence; the position shown is the placement nearest the transcript's 3' end. VCF-style (leftmost placement, unchanged base first): chr10-75022147-GGAAGAAGAAGAA-G. GRCh37 (hg19) VCF-style: chr10-76781905-GGAAGAAGAAGAA-G.
Other names: c.2413GAA[4], p.Glu809_Glu812del (NM_001256469.2, NM_001370139.1, NM_001370140.1 and 2 more transcripts); c.2251GAA[4], p.Glu755_Glu758del (NM_001370132.1); c.1600GAA[4], p.Glu538_Glu541del (NM_001370133.1); c.1204GAA[4], p.Glu406_Glu409del (NM_001370134.1); c.946GAA[4], p.Glu320_Glu323del (NM_001370135.1); c.3289GAA[4], p.Glu1101_Glu1104del (NM_001370136.1, NM_001370137.1); c.2740GAA[4], p.Glu918_Glu921del (NM_001370138.1, NM_001256468.2); c.2224GAA[4], p.Glu746_Glu749del (NM_001370143.1, NM_001370144.1).
Identifiers: ClinVar variation 2084643 (VCV002084643.4), dbSNP rs71929101, ClinGen allele CA930016119.

ClinVar aggregate classification (germline): Uncertain significance (1 of 4 stars; one submission).

Conditions:
Genitopatellar syndrome (GTPTS). Also called: ABSENT PATELLAE, SCROTAL HYPOPLASIA, RENAL ANOMALIES, FACIAL DYSMORPHISM, AND MENTAL RETARDATION; Genitopatellar syndrome (GPS). Identifiers: Orphanet 85201, MedGen C1853566, MONDO:0011640, OMIM 606170.

Submission:

Labcorp Genetics (formerly Invitae), Labcorp
Classification: Uncertain significance for Genitopatellar syndrome. Last evaluated: 2022-04-16. Review status: criteria provided, single submitter. Criteria: Invitae Variant Classification Sherloc (09022015). Collection method: clinical testing. Allele origin: germline.
Comment: This variant has not been reported in the literature in individuals affected with KAT6B-related conditions. In summary, the available evidence is currently insufficient to determine the role of this variant in disease. Therefore, it has been classified as a Variant of Uncertain Significance. Experimental studies and prediction algorithms are not available or were not evaluated, and the functional significance of this variant is currently unknown. This variant is not present in population databases (gnomAD no frequency). This variant, c.3301_3312del, results in the deletion of 4 amino acid(s) of the KAT6B protein (p.Glu1101_Glu1104del), but otherwise preserves the integrity of the reading frame.